The following is an entry in ClinVar:

NM_033100.4(CDHR1):c.689C>T (p.Thr230Ile)

Gene: CDHR1 (cadherin related family member 1; plus strand). Cytogenetic location: 10q23.1.
Variant type: single nucleotide variant.
Coding change: c.689C>T on transcript NM_033100.4 (MANE Select); coding-DNA position 689, C replaced by T.
Protein change: p.Thr230Ile; replaces threonine 230 with isoleucine.
Molecular consequence: missense variant.
Genome position (GRCh38, 1-based): chr10:84,203,029, C>T. VCF-style: chr10-84203029-C-T. GRCh37 (hg19) VCF-style: chr10-85962785-C-T.
Other names: c.689C>T, p.Thr230Ile (NM_001171971.3); short protein forms T230I.
Identifiers: ClinVar variation 623748 (VCV000623748.54), dbSNP rs141173656, ClinGen allele CA5579644.

ClinVar aggregate classification (germline): Conflicting classifications of pathogenicity. Review status: criteria provided, conflicting classifications (1 of 4 stars). 7 submissions from 7 submitters: Uncertain significance (3); Likely benign (2). 2 of the submissions do not count toward it. Last evaluated 2026-06-11.

Conditions:
CDHR1-related disorder. Also called: CDHR1-related condition.
Retinal dystrophy. Also called: Inherited retinal dystrophy. Identifiers: Orphanet 71862, MedGen C0854723, MeSH D058499, MONDO:0019118, HP:0000556.

Allele frequency attached by ClinVar (database versions not stated): gnomAD 0.00024 and 0.00026; TOPMed 0.00034; gnomAD exomes 0.00036; ESP Exome Variant Server 0.00038; ExAC 0.00039.

Submissions (7):

PreventionGenetics, part of Exact Sciences
Classification: Uncertain significance for CDHR1-related condition. Last evaluated: 2026-06-11. Review status: criteria provided, single submitter. Criteria: ACMG Guidelines, 2015. Collection method: clinical testing. Allele origin: germline.
Comment: The CDHR1 c.689C>T variant is predicted to result in the amino acid substitution p.Thr230Ile. This variant was reported in an individual with a developmental disorder (supplementary data, Turner et al. 2019. PubMed ID: 31785789). However, this variant is reported in 0.057% of alleles in individuals of European (Non-Finnish) descent in gnomAD, which may be too frequent to be a primary cause of disease. Although we suspect that this variant may be benign, at this time, the clinical significance of this variant is uncertain due to the absence of conclusive functional and genetic evidence.

Labcorp Genetics (formerly Invitae), Labcorp
Classification: Likely benign. Last evaluated: 2025-12-03. Review status: criteria provided, single submitter. Criteria: Invitae Variant Classification Sherloc (09022015). Collection method: clinical testing. Allele origin: germline.

Blueprint Genetics
Classification: Likely benign. Last evaluated: 2024-11-27. Review status: criteria provided, single submitter. Criteria: ACMG Guidelines, 2015. Collection method: clinical testing. Allele origin: germline.

Institute of Human Genetics, Univ. Regensburg, Univ. Regensburg
Classification: Uncertain significance for Retinal dystrophy. Last evaluated: 2023-01-01. Review status: criteria provided, single submitter. Criteria: ACMG Guidelines, 2015. Collection method: clinical testing. Allele origin: germline. Affected: yes.

CeGaT Center for Human Genetics Tuebingen
Classification: Uncertain significance. Last evaluated: 2018-06-01. Review status: criteria provided, single submitter. Criteria: CeGaT Center For Human Genetics Tuebingen Variant Classification Criteria Version 2. Collection method: clinical testing. Allele origin: germline. Affected: yes. Observed: 1 variant allele.

Clinical Genetics DNA and cytogenetics Diagnostics Lab, Erasmus MC, Erasmus Medical Center
Classification: Uncertain significance. Review status: no assertion criteria provided. Collection method: clinical testing. Allele origin: germline. Affected: yes. Study: VKGL Data-share Consensus. Not counted in ClinVar's aggregate classification.

Clinical Genetics, Academic Medical Center
Classification: Uncertain significance. Review status: no assertion criteria provided. Collection method: clinical testing. Allele origin: germline. Affected: yes. Study: VKGL Data-share Consensus. Not counted in ClinVar's aggregate classification.

Literature cited by the submitters: PubMed 31785789 (cited by Institute of Human Genetics, Univ. Regensburg, Univ. Regensburg).